The following is an entry in ClinVar:

ClinVar aggregate classification (germline): Uncertain significance (1 of 4 stars; one submission).

Conditions:
Seizures, benign familial infantile, 3 (BFIS3). Also called: Familial neonatal seizures; CONVULSIONS, BENIGN FAMILIAL INFANTILE, 3. Identifiers: Orphanet 140927, Orphanet 306, MedGen C1843140, MONDO:0011904, OMIM 607745.
Developmental and epileptic encephalopathy, 11 (DEE11). Also called: Early infantile epileptic encephalopathy 11. Identifiers: Orphanet 1934, MedGen C3150987, MONDO:0013388, OMIM 613721.

Submission:

Labcorp Genetics (formerly Invitae), Labcorp
Classification: Uncertain significance for Seizures, benign familial infantile, 3; Developmental and epileptic encephalopathy, 11. Last evaluated: 2021-04-12. Review status: criteria provided, single submitter. Criteria: Invitae Variant Classification Sherloc (09022015). Collection method: clinical testing. Allele origin: germline.
Comment: In summary, the available evidence is currently insufficient to determine the role of this variant in disease. Therefore, it has been classified as a Variant of Uncertain Significance. Algorithms developed to predict the effect of missense changes on protein structure and function are either unavailable or do not agree on the potential impact of this missense change (SIFT: "Deleterious"; PolyPhen-2: "Benign"; Align-GVGD: "Class C0"). This variant has not been reported in the literature in individuals with SCN2A-related conditions. This variant is not present in population databases (ExAC no frequency). This sequence change replaces glutamine with arginine at codon 786 of the SCN2A protein (p.Gln786Arg). The glutamine residue is moderately conserved and there is a small physicochemical difference between glutamine and arginine.

NM_001040142.2(SCN2A):c.2357A>G (p.Gln786Arg)

Gene: SCN2A (sodium voltage-gated channel alpha subunit 2; plus strand). Cytogenetic location: 2q24.3.
Variant type: single nucleotide variant.
Coding change: c.2357A>G on transcript NM_001040142.2 (MANE Select); coding-DNA position 2357, A replaced by G.
Protein change: p.Gln786Arg; replaces glutamine 786 with arginine.
Molecular consequence: missense variant.
Genome position (GRCh38, 1-based): chr2:165,331,537, A>G. VCF-style: chr2-165331537-A-G. GRCh37 (hg19) VCF-style: chr2-166188047-A-G.
Other names: c.2357A>G, p.Gln786Arg (NM_001040143.2, NM_001371246.1, NM_001371247.1 and 1 more transcripts); short protein forms Q786R.
Identifiers: ClinVar variation 863542 (VCV000863542.10), dbSNP rs1698672623, ClinGen allele CA349031573.